The following is an entry in ClinVar:

ClinVar aggregate classification (germline): Uncertain significance (1 of 4 stars; one submission).

Conditions:
Van der Woude syndrome. Identifiers: Orphanet 888, MedGen C0175697, MONDO:0019508.
Orofacial cleft 6, susceptibility to (OFC6). Also called: CLEFT LIP WITH OR WITHOUT CLEFT PALATE, NONSYNDROMIC, 6. Identifiers: MedGen C1837213, MONDO:0012141, OMIM 608864.
Popliteal pterygium syndrome (PPS). Identifiers: Orphanet 294963, MedGen C0265259, MONDO:0017435.

Submission:

Labcorp Genetics (formerly Invitae), Labcorp
Classification: Uncertain significance for Orofacial cleft 6, susceptibility to; Van der Woude syndrome; Popliteal pterygium syndrome. Last evaluated: 2022-11-17. Review status: criteria provided, single submitter. Criteria: Invitae Variant Classification Sherloc (09022015). Collection method: clinical testing. Allele origin: germline.
Comment: This sequence change replaces asparagine, which is neutral and polar, with lysine, which is basic and polar, at codon 88 of the IRF6 protein (p.Asn88Lys). In summary, the available evidence is currently insufficient to determine the role of this variant in disease. Therefore, it has been classified as a Variant of Uncertain Significance. This variant disrupts the p.Asn88 amino acid residue in IRF6. Other variant(s) that disrupt this residue have been determined to be pathogenic (PMID: 12219090, 19282774, 21468557). This suggests that this residue is clinically significant, and that variants that disrupt this residue are likely to be disease-causing. Algorithms developed to predict the effect of missense changes on protein structure and function (SIFT, PolyPhen-2, Align-GVGD) all suggest that this variant is likely to be disruptive. ClinVar contains an entry for this variant (Variation ID: 533113). This missense change has been observed in individual(s) with clinical features of van der Woude syndrome (Invitae). This variant is not present in population databases (gnomAD no frequency).

Literature cited by the submitters: PubMed 12219090; PubMed 19282774; PubMed 21468557.

NM_006147.4(IRF6):c.264T>A (p.Asn88Lys)

Gene: IRF6 (interferon regulatory factor 6; minus strand). Cytogenetic location: 1q32.2.
Variant type: single nucleotide variant.
Coding change: c.264T>A on transcript NM_006147.4 (MANE Select); coding-DNA position 264, T replaced by A.
Protein change: p.Asn88Lys; replaces asparagine 88 with lysine.
Molecular consequence: missense variant. On other transcripts: 5 prime UTR variant (1).
Genome position (GRCh38, 1-based): chr1:209,796,463, A>T on the plus strand (T>A on the coding strand, the complement: IRF6 is on the minus strand). VCF-style: chr1-209796463-A-T. GRCh37 (hg19) VCF-style: chr1-209969808-A-T.
Other names: c.-22T>A (NM_001206696.2); short protein forms N88K.
Identifiers: ClinVar variation 533113 (VCV000533113.10), dbSNP rs1553248265, ClinGen allele CA344583252.